The following is an entry in ClinVar:

NM_000203.5(IDUA):c.622G>A (p.Gly208Ser)

Gene: IDUA (alpha-L-iduronidase; plus strand). Cytogenetic location: 4p16.3.
Variant type: single nucleotide variant.
Coding change: c.622G>A on transcript NM_000203.5 (MANE Select); coding-DNA position 622, G replaced by A.
Protein change: p.Gly208Ser; replaces glycine 208 with serine.
Molecular consequence: missense variant. On other transcripts: non-coding transcript variant (1).
Genome position (GRCh38, 1-based): chr4:1,001,711, G>A. VCF-style: chr4-1001711-G-A. GRCh37 (hg19) VCF-style: chr4-995499-G-A.
Other names: c.226G>A, p.Gly76Ser (NM_001363576.1); short protein forms G208S, G76S.
Identifiers: ClinVar variation 3896448 (VCV003896448.2).

ClinVar aggregate classification (germline): Uncertain significance (1 of 4 stars; one submission).

gnomAD v4.1: 1 of 1,599,614 alleles (0.000063%); highest among the groups gnomAD compares: South Asian, 0.0011%; no homozygotes.

Submission:

Women's Health and Genetics/Laboratory Corporation of America, LabCorp
Classification: Uncertain significance. Last evaluated: 2025-04-29. Review status: criteria provided, single submitter. Criteria: LabCorp Variant Classification Summary - May 2015. Collection method: clinical testing. Allele origin: germline.
Comment: Variant summary: IDUA c.622G>A (p.Gly208Ser) results in a non-conservative amino acid change located in the Glycosyl hydrolases family 39, N-terminal catalytic domain (IPR049166) of the encoded protein sequence. Five of five in-silico tools predict a damaging effect of the variant on protein function. The variant allele was found at a frequency of 4.4e-06 in 227442 control chromosomes. The available data on variant occurrences in the general population are insufficient to allow any conclusion about variant significance. To our knowledge, no occurrence of c.622G>A in individuals affected with Mucopolysaccharidosis Type 1 and no experimental evidence demonstrating its impact on protein function have been reported. A different variant affecting the same codon has been classified as pathogenic by our lab (c.623G>A, p.Gly208Asp), supporting the critical relevance of codon 208 to IDUA protein function. No submitters have cited clinical-significance assessments for this variant to ClinVar. Based on the evidence outlined above, the variant was classified as uncertain significance.